The following is an entry in ClinVar:

NM_001376.5(DYNC1H1):c.2019G>T (p.Trp673Cys)

Gene: DYNC1H1 (dynein cytoplasmic 1 heavy chain 1; plus strand). Cytogenetic location: 14q32.31.
Variant type: single nucleotide variant.
Coding change: c.2019G>T on transcript NM_001376.5 (MANE Select); coding-DNA position 2019, G replaced by T.
Protein change: p.Trp673Cys; replaces tryptophan 673 with cysteine.
Molecular consequence: missense variant.
Genome position (GRCh38, 1-based): chr14:101,986,244, G>T. VCF-style: chr14-101986244-G-T. GRCh37 (hg19) VCF-style: chr14-102452581-G-T.
Other names: short protein forms W673C.
Identifiers: ClinVar variation 4280628 (VCV004280628.1).
Genomic context (GRCh38, chr14:101,986,244, plus strand): 5'-GATCGACAGGCAGCTGACGGCCTACATGAAGCGGGTGGAAGATGTCCTTGGCAAGGGCTG[G>T]GAGAATCACGTGGAGGGGCAGAAGCTGAAGCAGGATGGAGACAGCTTCCGCATGAAGCTC-3'
Protein context (NP_001367.2, residues 663-683): KRVEDVLGKG[Trp673Cys]ENHVEGQKLK

ClinVar aggregate classification (germline): Likely pathogenic (1 of 4 stars; one submission).

Conditions:
Charcot-Marie-Tooth disease axonal type 2O. Also called: CHARCOT-MARIE-TOOTH NEUROPATHY, AXONAL, TYPE 2O; CHARCOT-MARIE-TOOTH DISEASE, AXONAL, AUTOSOMAL DOMINANT, TYPE 2O; Charcot-Marie-Tooth Neuropathy Type 2O; Charcot-Marie-Tooth disease, axonal, type 20. Identifiers: Orphanet 284232, MedGen C3280220, MONDO:0013644, OMIM 614228.

Submission:

Clinical Biomedical Laboratory, Shriners Hospital For Children - Canada
Classification: Likely pathogenic for Charcot-Marie-Tooth disease axonal type 2O. Last evaluated: 2025-10-05. Review status: criteria provided, single submitter. Criteria: ACMG Guidelines, 2015. Collection method: clinical testing. Allele origin: germline. Affected: yes.
Comment: This variant is predicted to substitute a tryptophan residue by a cysteine residue. This variant is absent from the Genome Aggregation Database (v2.1.1). DYNC1H1 is associated with Charcot-Marie-Tooth disease type 2O (PMID: 21820100), which overlaps with the phenotype reported in the proband. This amino acid change has also associated with spinal muscular atrophy with lower extremity predominance (PMID: 25609763).

Literature cited by the submitters: PubMed 21820100; PubMed 25609763.